The following is an entry in ClinVar:

ClinVar aggregate classification (germline): Uncertain significance (1 of 4 stars; one submission).

Conditions:
Tuberous sclerosis 2 (TSC2). Identifiers: Orphanet 805, MedGen C1860707, MONDO:0013199, OMIM 613254.

Submission:

Labcorp Genetics (formerly Invitae), Labcorp
Classification: Uncertain significance for Tuberous sclerosis 2. Last evaluated: 2023-02-18. Review status: criteria provided, single submitter. Criteria: Invitae Variant Classification Sherloc (09022015). Collection method: clinical testing. Allele origin: germline.
Comment: This sequence change replaces valine, which is neutral and non-polar, with glutamic acid, which is acidic and polar, at codon 78 of the TSC2 protein (p.Val78Glu). This variant is not present in population databases (gnomAD no frequency). This variant has not been reported in the literature in individuals affected with TSC2-related conditions. Advanced modeling of protein sequence and biophysical properties (such as structural, functional, and spatial information, amino acid conservation, physicochemical variation, residue mobility, and thermodynamic stability) performed at Invitae indicates that this missense variant is not expected to disrupt TSC2 protein function. In summary, the available evidence is currently insufficient to determine the role of this variant in disease. Therefore, it has been classified as a Variant of Uncertain Significance.

NM_000548.5(TSC2):c.233T>A (p.Val78Glu)

Gene: TSC2 (TSC complex subunit 2; plus strand). Cytogenetic location: 16p13.3.
Variant type: single nucleotide variant.
Coding change: c.233T>A on transcript NM_000548.5 (MANE Select); coding-DNA position 233, T replaced by A.
Protein change: p.Val78Glu; replaces valine 78 with glutamic acid.
Molecular consequence: missense variant. On other transcripts: intron variant (9), 5 prime UTR variant (14), non-coding transcript variant (5).
Genome position (GRCh38, 1-based): chr16:2,053,349, T>A. VCF-style: chr16-2053349-T-A. GRCh37 (hg19) VCF-style: chr16-2103350-T-A.
Other names: c.-1-2847T>A (NM_001406685.1, NM_001318831.2, NM_001406688.1 and 3 more transcripts); c.226-947T>A (NM_001406670.1, NM_001318827.2, NM_001406678.1); c.233T>A, p.Val78Glu (NM_001077183.3, NM_001114382.3, NM_001363528.2 and 10 more transcripts); c.86T>A, p.Val29Glu (NM_001318829.2, NM_001406675.1, NM_001406676.1 and 2 more transcripts); c.266T>A, p.Val89Glu (NM_001318832.2); c.-584T>A (NM_001406680.1, NM_001406683.1, NM_001406687.1); c.-213T>A (NM_001406681.1); c.-1199T>A (NM_001406689.1, NM_001406690.1, NM_001406691.1 and 2 more transcripts); and 4 more; short protein forms V29E, V89E, V78E.
Identifiers: ClinVar variation 2838690 (VCV002838690.3), dbSNP rs1163221525, ClinGen allele CA394305435.